The following is an entry in ClinVar:

ClinVar aggregate classification (germline): Uncertain significance. Review status: criteria provided, multiple submitters, no conflicts (2 of 4 stars). 2 submissions from 2 submitters: Uncertain significance (2). Last evaluated 2025-12-11.

Allele frequency attached by ClinVar (database versions not stated): ExAC 0.00008; gnomAD exomes 0.00013 and 0.00043; gnomAD 0.00021 and 0.00022; TOPMed 0.00023.
gnomAD v4.1: 651 of 1,613,698 alleles (0.04%); highest among the groups gnomAD compares: Non-Finnish European, 0.052%; no homozygotes.

Submissions (2):

Labcorp Genetics (formerly Invitae), Labcorp
Classification: Uncertain significance. Last evaluated: 2025-12-11. Review status: criteria provided, single submitter. Criteria: Invitae Variant Classification Sherloc (09022015). Collection method: clinical testing. Allele origin: germline.
Comment: This sequence change replaces glycine, which is neutral and non-polar, with arginine, which is basic and polar, at codon 299 of the OR2W3 protein (p.Gly299Arg). This variant is present in population databases (rs754535452, gnomAD 0.02%). This variant has not been reported in the literature in individuals affected with OR2W3-related conditions. ClinVar contains an entry for this variant (Variation ID: 1347410). An algorithm developed to predict the effect of missense changes on protein structure and function (PolyPhen-2) suggests that this variant is likely to be disruptive. In summary, the available evidence is currently insufficient to determine the role of this variant in disease. Therefore, it has been classified as a Variant of Uncertain Significance.

Ambry Genetics
Classification: Uncertain significance. Last evaluated: 2021-10-06. Review status: criteria provided, single submitter. Criteria: Ambry Variant Classification Scheme 2023. Collection method: clinical testing. Allele origin: germline.

NM_001001957.2(OR2W3):c.895G>A (p.Gly299Arg)

Gene: OR2W3 (olfactory receptor family 2 subfamily W member 3; plus strand). Cytogenetic location: 1q44.
Variant type: single nucleotide variant.
Coding change: c.895G>A on transcript NM_001001957.2 (MANE Select); coding-DNA position 895, G replaced by A.
Protein change: p.Gly299Arg; replaces glycine 299 with arginine.
Molecular consequence: missense variant.
Genome position (GRCh38, 1-based): chr1:247,896,481, G>A. VCF-style: chr1-247896481-G-A. GRCh37 (hg19) VCF-style: chr1-248059783-G-A.
Other names: short protein forms G299R.
Identifiers: ClinVar variation 1347410 (VCV001347410.7), dbSNP rs754535452, ClinGen allele CA1498714.